The following is an entry in ClinVar:

ClinVar aggregate classification (germline): Uncertain significance (1 of 4 stars; one submission).

Allele frequency attached by ClinVar (database versions not stated): gnomAD exomes below 0.00001; ExAC 0.00001.

Submission:

Labcorp Genetics (formerly Invitae), Labcorp
Classification: Uncertain significance. Last evaluated: 2021-06-24. Review status: criteria provided, single submitter. Criteria: Invitae Variant Classification Sherloc (09022015). Collection method: clinical testing. Allele origin: germline.
Comment: This variant has not been reported in the literature in individuals affected with ARMC9-related conditions. In summary, the available evidence is currently insufficient to determine the role of this variant in disease. Therefore, it has been classified as a Variant of Uncertain Significance. Experimental studies and prediction algorithms are not available or were not evaluated, and the functional significance of this variant is currently unknown. This variant is present in population databases (rs758301318, ExAC 0.01%). This sequence change replaces proline with serine at codon 311 of the ARMC9 protein (p.Pro311Ser). The proline residue is highly conserved and there is a moderate physicochemical difference between proline and serine.

NM_001352754.2(ARMC9):c.931C>T (p.Pro311Ser)

Gene: ARMC9 (armadillo repeat containing 9; plus strand). Cytogenetic location: 2q37.1.
Variant type: single nucleotide variant.
Coding change: c.931C>T on transcript NM_001352754.2 (MANE Select); coding-DNA position 931, C replaced by T.
Protein change: p.Pro311Ser; replaces proline 311 with serine.
Molecular consequence: missense variant. On other transcripts: non-coding transcript variant (1).
Genome position (GRCh38, 1-based): chr2:231,259,007, C>T. VCF-style: chr2-231259007-C-T. GRCh37 (hg19) VCF-style: chr2-232123720-C-T.
Other names: c.931C>T, p.Pro311Ser (NM_001271466.4, NM_001291656.2, NM_001352755.2 and 3 more transcripts); c.832C>T, p.Pro278Ser (NM_001352757.2, NM_001352758.2); short protein forms P278S, P311S.
Identifiers: ClinVar variation 1349198 (VCV001349198.6), dbSNP rs758301318, ClinGen allele CA2160131.